The following is an entry in ClinVar:

ClinVar aggregate classification (germline): Pathogenic/Likely pathogenic. Review status: criteria provided, multiple submitters, no conflicts (2 of 4 stars). 11 submissions from 11 submitters: Pathogenic (4); Likely pathogenic (7). Last evaluated 2026-01-31.

Conditions:
Autosomal recessive nonsyndromic hearing loss 8 (DFNB8). Also called: NEUROSENSORY NONSYNDROMIC RECESSIVE DEAFNESS 8; Deafness, autosomal recessive 10. Identifiers: Orphanet 90636, MedGen C1832827, MONDO:0010987, OMIM 601072.
Hearing impairment. Also called: Impaired Hearing. Identifiers: MedGen C1384666, MONDO:0005365, HP:0000365.
TMPRSS3-related disorder. Also called: TMPRSS3-related condition.

Allele frequency attached by ClinVar (database versions not stated): gnomAD 0.00009 and 0.00011; TOPMed 0.00010; 1000 Genomes Project 30x 0.00016; 1000 Genomes Project 0.00020; ExAC 0.00021; gnomAD exomes 0.00021 and 0.00039; ESP Exome Variant Server 0.00023.

Submissions (11):

GeneDx
Classification: Likely pathogenic. Last evaluated: 2026-01-31. Review status: criteria provided, single submitter. Criteria: GeneDx Variant Classification Process June 2021. Collection method: clinical testing. Allele origin: germline. Affected: yes.
Comment: In silico analysis supports that this missense variant has a deleterious effect on protein structure/function; This variant is associated with the following publications: (PMID: 27627659, 23967202, 28695016, 28246597, 34426522, 31589614, 34868270, 36147510, 37331337, 34795337, 38691166, 38102706, 34599366)

Labcorp Genetics (formerly Invitae), Labcorp
Classification: Pathogenic. Last evaluated: 2026-01-28. Review status: criteria provided, single submitter. Criteria: Invitae Variant Classification Sherloc (09022015). Collection method: clinical testing. Allele origin: germline.
Comment: This sequence change replaces arginine, which is basic and polar, with cysteine, which is neutral and slightly polar, at codon 106 of the TMPRSS3 protein (p.Arg106Cys). This variant is present in population databases (rs139805921, gnomAD 0.06%), including at least one homozygous and/or hemizygous individual. This missense change has been observed in individual(s) with deafness (PMID: 23967202, 28246597). It has also been observed to segregate with disease in related individuals. ClinVar contains an entry for this variant (Variation ID: 381714). Invitae Evidence Modeling of protein sequence and biophysical properties (such as structural, functional, and spatial information, amino acid conservation, physicochemical variation, residue mobility, and thermodynamic stability) indicates that this missense variant is expected to disrupt TMPRSS3 protein function with a positive predictive value of 95%. For these reasons, this variant has been classified as Pathogenic.

Institute of Human Genetics, University of Leipzig Medical Center
Classification: Pathogenic for Autosomal recessive nonsyndromic hearing loss 8. Last evaluated: 2025-12-03. Review status: criteria provided, single submitter. Criteria: ACMG Guidelines, 2015. Collection method: clinical testing. Allele origin: unknown. Inheritance: Autosomal recessive inheritance. Affected: yes.
Comment: Criteria applied: PM3_VSTR,PP1,PP3; Identified as compund heterozygous with NM_001256317.3:c.413C>A

PreventionGenetics, part of Exact Sciences
Classification: Likely pathogenic for TMPRSS3-related condition. Last evaluated: 2025-11-05. Review status: criteria provided, single submitter. Criteria: ACMG Guidelines, 2015. Collection method: clinical testing. Allele origin: germline.
Comment: The TMPRSS3 c.316C>T variant is predicted to result in the amino acid substitution p.Arg106Cys. This variant has been reported in individuals with late-onset hearing loss (Supplemental Table 2, Miyagawa et al. 2013. PubMed ID: 23967202). This variant has also been reported in the compound heterozygous state in individuals with post lingual, milder hearing impairments (Patients II:2, II:3, and II:5, Gao et al. 2017. PubMed ID: 28246597) and in the homozygous state in an individual with perilingual hearing loss (Pavlenkova et al. 2021. PubMed ID: 34795337). This variant is reported in 0.059% of alleles in individuals of South Asian descent in gnomAD, including one homozygous individual. This variant is predicted to lead to a mild form of hearing loss and structural protein modeling suggesting that a homozygous p.Arg106Cys variant would lead to a subtle protein change or would be similar to that of wildtype protein (Gao et al. 2017. PubMed ID: 28246597). This variant is interpreted as pathogenic/likely pathogenic in ClinVar. Taken together, we interpret this variant as likely pathogenic.

Dasa
Classification: Pathogenic. Last evaluated: 2025-04-28. Review status: criteria provided, single submitter. Criteria: DASA Assertion Criteria. Collection method: clinical testing. Allele origin: germline.
Comment: NM_001256317.3(TMPRSS3):c.316C>T (p.Arg106Cys) is a missense variant that results in the substitution of arginine with cysteine. Segregation evidence has been reported in affected families. This variant has been recurrently observed in affected individuals with related phenotype in a genotype context consistent with recessive disease (PMID: 28246597; PMID: 28695016; PMID: 36147510; PMID: 23967202). Multiple computational predictions support a deleterious effect on the gene or gene product. The variant is present at low frequency in population datasets. Based on the available data, this variant is classified as pathogenic.

Blueprint Genetics
Classification: Likely pathogenic for TMPRSS3-related disorders. Last evaluated: 2024-06-14. Review status: criteria provided, single submitter. Criteria: ACMG Guidelines, 2015. Collection method: clinical testing. Allele origin: germline. Affected: yes. Observed: 5 variant alleles.

Fulgent Genetics
Classification: Likely pathogenic for Autosomal recessive nonsyndromic hearing loss 8. Last evaluated: 2024-04-22. Review status: criteria provided, single submitter. Criteria: ACMG Guidelines, 2015. Collection method: clinical testing. Allele origin: germline.

CeGaT Center for Human Genetics Tuebingen
Classification: Pathogenic. Last evaluated: 2022-09-01. Review status: criteria provided, single submitter. Criteria: CeGaT Center For Human Genetics Tuebingen Variant Classification Criteria Version 2. Collection method: clinical testing. Allele origin: germline. Affected: yes. Observed: 2 variant alleles.
Comment: TMPRSS3: PM3:Very Strong, PM2

Department of Otolaryngology – Head & Neck Surgery, Cochlear Implant Center
Classification: Likely pathogenic for Hearing impairment. Last evaluated: 2021-04-12. Review status: criteria provided, single submitter. Criteria: ClinGen HL ACMG Specifications v1. Collection method: clinical testing. Allele origin: germline. Affected: yes.
Comment: PS1_Strong, PM2_Supporting, PP3_Supporting

Women's Health and Genetics/Laboratory Corporation of America, LabCorp
Classification: Likely pathogenic for Deafness, autosomal recessive 8. Last evaluated: 2020-07-29. Review status: criteria provided, single submitter. Criteria: LabCorp Variant Classification Summary - May 2015. Collection method: clinical testing. Allele origin: germline.
Comment: Variant summary: TMPRSS3 c.316C>T (p.Arg106Cys) results in a non-conservative amino acid change located in the scavenger receptor cysteine-rich (SRCR) domain (IPR001190); most SRCR domains have six to eight cysteines that participate in intradomain disulfide bonds (InterPro). Five of five in-silico tools predict a damaging effect of the variant on protein function. The variant allele was found at a frequency of 0.00021 in 251448 control chromosomes in the gnomAD database, including 1 homozygote. The variant, c.316C>T, has been reported in the literature in individuals affected with late onset hearing loss (Gao_2017, Miyagawa_2013), including a large Chinese family, where the variant in combination with a presumed severe mutation in trans (c.916G>A (p.Ala306Thr)) resulted in a milder phenotype (Gao_2017). These data indicate that the variant is likely to be associated with disease. To our knowledge, no experimental evidence demonstrating an impact on protein function has been reported. Three clinical diagnostic laboratories have submitted clinical-significance assessments for this variant to ClinVar after 2014 without evidence for independent evaluation, and all of them classified the variant as pathogenic (n=1) / likely pathogenic (n=2). Based on the evidence outlined above, the variant was classified as likely pathogenic.

Eurofins Ntd Llc (ga)
Classification: Likely pathogenic. Last evaluated: 2018-07-13. Review status: criteria provided, single submitter. Criteria: EGL ClinVar v180209 classification definitions. Collection method: clinical testing. Allele origin: germline. Observed: 1 variant allele, 1 heterozygote.

Literature cited by the submitters: PubMed 23967202 (cited by 5 submitters); PubMed 28246597 (cited by 4 submitters); PubMed 28695016 (cited by Dasa); PubMed 36147510 (cited by Dasa).

NM_001256317.3(TMPRSS3):c.316C>T (p.Arg106Cys)

Gene: TMPRSS3 (transmembrane serine protease 3; minus strand). Cytogenetic location: 21q22.3.
Variant type: single nucleotide variant.
Coding change: c.316C>T on transcript NM_001256317.3 (MANE Select); coding-DNA position 316, C replaced by T.
Protein change: p.Arg106Cys; replaces arginine 106 with cysteine.
Molecular consequence: missense variant. On other transcripts: 5 prime UTR variant (1).
Genome position (GRCh38, 1-based): chr21:42,388,935, G>A on the plus strand (C>T on the coding strand, the complement: TMPRSS3 is on the minus strand). VCF-style: chr21-42388935-G-A. GRCh37 (hg19) VCF-style: chr21-43809044-G-A.
Other names: c.316C>T, p.Arg106Cys (NM_024022.4, NM_032405.2); c.-66C>T (NM_032404.3); c.316C>T (NM_024022.3); short protein forms R106C.
Identifiers: ClinVar variation 381714 (VCV000381714.65), dbSNP rs139805921, ClinGen allele CA10042685.